The following is an entry in ClinVar:

NM_005267.5(GJA8):c.595C>T (p.Pro199Ser)

Gene: GJA8 (gap junction protein alpha 8; plus strand). Cytogenetic location: 1q21.2.
Variant type: single nucleotide variant.
Coding change: c.595C>T on transcript NM_005267.5 (MANE Select); coding-DNA position 595, C replaced by T.
Protein change: p.Pro199Ser; replaces proline 199 with serine.
Molecular consequence: missense variant.
Genome position (GRCh38, 1-based): chr1:147,908,550, C>T. VCF-style: chr1-147908550-C-T. GRCh37 (hg19) VCF-style: chr1-147380677-C-T.
Other names: short protein forms P199S.
Identifiers: ClinVar variation 1007568 (VCV001007568.9), dbSNP rs1651918704, ClinGen allele CA342224939.

ClinVar aggregate classification (germline): Conflicting classifications of pathogenicity. Review status: criteria provided, conflicting classifications (1 of 4 stars). 3 submissions from 3 submitters: Pathogenic (1); Likely pathogenic (1); Uncertain significance (1). Last evaluated 2025-10-29.

Conditions:
Cataract 1 multiple types. Also called: CATARACT, DUFFY-LINKED; CATARACT 1, MULTIPLE TYPES, WITH OR WITHOUT MICROCORNEA; CATARACT 1, NUCLEAR PROGRESSIVE; CATARACT 1 WITH MICROCORNEA; CATARACT 1, POSTERIOR SUBCAPSULAR, WITH MICROCORNEA; CATARACT 1, STELLATE NUCLEAR, WITH MICROCORNEA. Identifiers: Orphanet 1377, MedGen C1861828, MONDO:0007285, OMIM 116200.

Submissions (3):

Variantyx, Inc.
Classification: Likely pathogenic for Cataract 1 multiple types. Last evaluated: 2025-10-29. Review status: criteria provided, single submitter. Criteria: Variantyx Assertion Criteria 2022. Collection method: clinical testing. Allele origin: de novo. Inheritance: Autosomal dominant inheritance. Affected: yes.
Comment: This is a nonsynonymous variant in the GJA8 gene (OMIM: 600897). Pathogenic variants in this gene have been associated with autosomal dominant multiple types of congenital cataract 1 (CTRCT1). It has been reported in at least one affected individual (PMID: 23734083) (PS4_Moderate). Multiple computational algorithms predict a deleterious effect for this variant (REVEL score: 0.987) (PP3). This variant is absent from control populations (PM2). Based on the current evidence, this variant is classified as likely pathogenic for autosomal dominant multiple types of congenital cataract 1 (CTRCT1).

Dept. Genetics and Cancer, Menzies Institute for Medical Research, University of Tasmania
Classification: Uncertain significance for Cataract 1 multiple types. Last evaluated: 2023-01-21. Review status: criteria provided, single submitter. Criteria: ACMG Guidelines, 2015. Collection method: curation. Allele origin: germline. Affected: yes.
Comment: Variant identified and curated during a GJA8 specific review of the literature in relation to pediatric or congenital cataract. ACMG-AMP criteria applied: PM2(Supporting), PP3. Original variant report: PMID:23734083. Gene review and curation guidelines are outlined in: DOI 10.1080/17469899.2023.2160320

Labcorp Genetics (formerly Invitae), Labcorp
Classification: Pathogenic for Cataract 1 multiple types. Last evaluated: 2022-11-29. Review status: criteria provided, single submitter. Criteria: Invitae Variant Classification Sherloc (09022015). Collection method: clinical testing. Allele origin: germline.
Comment: ClinVar contains an entry for this variant (Variation ID: 1007568). Advanced modeling of protein sequence and biophysical properties (such as structural, functional, and spatial information, amino acid conservation, physicochemical variation, residue mobility, and thermodynamic stability) performed at Invitae indicates that this missense variant is expected to disrupt GJA8 protein function. For these reasons, this variant has been classified as Pathogenic. This variant is also known as c.658C>T. This sequence change replaces proline, which is neutral and non-polar, with serine, which is neutral and polar, at codon 199 of the GJA8 protein (p.Pro199Ser). This variant is not present in population databases (gnomAD no frequency). This missense change has been observed in individuals with autosomal dominant congenital cataracts (PMID: 23734083; Invitae). It has also been observed to segregate with disease in related individuals.

Literature cited by the submitters: PubMed 23734083 (cited by 3 submitters).